The following is an entry in ClinVar:

ClinVar aggregate classification (germline): Uncertain significance (1 of 4 stars; one submission).

Allele frequency attached by ClinVar (database versions not stated): gnomAD exomes below 0.00001.
gnomAD v4.1: 1 of 1,613,738 alleles (0.000062%); highest among the groups gnomAD compares: Non-Finnish European, 0.000085%; no homozygotes.

Submission:

Ambry Genetics
Classification: Uncertain significance. Last evaluated: 2023-10-10. Review status: criteria provided, single submitter. Criteria: Ambry Variant Classification Scheme 2023. Collection method: clinical testing. Allele origin: germline.
Comment: The p.S198L variant (also known as c.593C>T), located in coding exon 5 of the PDLIM3 gene, results from a C to T substitution at nucleotide position 593. The serine at codon 198 is replaced by leucine, an amino acid with dissimilar properties. This amino acid position is conserved. In addition, this alteration is predicted to be deleterious by in silico analysis. Since supporting evidence is limited at this time, the clinical significance of this alteration remains unclear.

NM_014476.6(PDLIM3):c.593C>T (p.Ser198Leu)

Gene: PDLIM3 (PDZ and LIM domain 3; minus strand). Cytogenetic location: 4q35.1.
Variant type: single nucleotide variant.
Coding change: c.593C>T on transcript NM_014476.6 (MANE Select); coding-DNA position 593, C replaced by T.
Protein change: p.Ser198Leu; replaces serine 198 with leucine.
Molecular consequence: missense variant. On other transcripts: intron variant (3).
Genome position (GRCh38, 1-based): chr4:185,508,368, G>A on the plus strand (C>T on the coding strand, the complement: PDLIM3 is on the minus strand). VCF-style: chr4-185508368-G-A. GRCh37 (hg19) VCF-style: chr4-186429522-G-A.
Other names: c.162-1716C>T (NM_001257963.2); c.399-1716C>T (NM_001257962.2); c.519-1716C>T (NM_001114107.5); short protein forms S198L.
Identifiers: ClinVar variation 3226318 (VCV003226318.1), dbSNP rs2478341719, ClinGen allele CA358923822.